The following is an entry in ClinVar:

ClinVar aggregate classification (germline): Uncertain significance. Review status: criteria provided, multiple submitters, no conflicts (2 of 4 stars). 3 submissions from 3 submitters: Uncertain significance (3). Last evaluated 2024-08-31.

Conditions:
Inborn genetic diseases. Identifiers: MedGen C0950123, MeSH D030342.

Allele frequency attached by ClinVar (database versions not stated): 1000 Genomes Project 0.00020; TOPMed 0.00022; gnomAD exomes 0.00025; gnomAD 0.00029 and 0.00031; 1000 Genomes Project 30x 0.00031; ExAC 0.00031; ESP Exome Variant Server 0.00038.
gnomAD v4.1: 569 of 1,613,878 alleles (0.035%); highest among the groups gnomAD compares: Non-Finnish European, 0.043%; no homozygotes.

Submissions (3):

Labcorp Genetics (formerly Invitae), Labcorp
Classification: Uncertain significance. Last evaluated: 2024-08-31. Review status: criteria provided, single submitter. Criteria: Invitae Variant Classification Sherloc (09022015). Collection method: clinical testing. Allele origin: germline.
Comment: This sequence change replaces serine, which is neutral and polar, with asparagine, which is neutral and polar, at codon 2167 of the VPS13A protein (p.Ser2167Asn). This variant is present in population databases (rs138417091, gnomAD 0.05%). This variant has not been reported in the literature in individuals affected with VPS13A-related conditions. ClinVar contains an entry for this variant (Variation ID: 1303654). Invitae Evidence Modeling of protein sequence and biophysical properties (such as structural, functional, and spatial information, amino acid conservation, physicochemical variation, residue mobility, and thermodynamic stability) indicates that this missense variant is expected to disrupt VPS13A protein function with a positive predictive value of 80%. In summary, the available evidence is currently insufficient to determine the role of this variant in disease. Therefore, it has been classified as a Variant of Uncertain Significance.

Ambry Genetics
Classification: Uncertain significance for Inborn genetic diseases. Last evaluated: 2021-06-11. Review status: criteria provided, single submitter. Criteria: Ambry Variant Classification Scheme 2023. Collection method: clinical testing. Allele origin: germline.

GeneDx
Classification: Uncertain significance. Last evaluated: 2019-09-10. Review status: criteria provided, single submitter. Criteria: GeneDx Variant Classification Process June 2021. Collection method: clinical testing. Allele origin: germline. Affected: yes.
Comment: In silico analysis, which includes protein predictors and evolutionary conservation, supports that this variant does not alter protein structure/function; Has not been previously published as pathogenic or benign to our knowledge

NM_033305.3(VPS13A):c.6500G>A (p.Ser2167Asn)

Gene: VPS13A (vacuolar protein sorting 13 homolog A; plus strand). Cytogenetic location: 9q21.2.
Variant type: single nucleotide variant.
Coding change: c.6500G>A on transcript NM_033305.3 (MANE Select); coding-DNA position 6500, G replaced by A.
Protein change: p.Ser2167Asn; replaces serine 2167 with asparagine.
Molecular consequence: missense variant.
Genome position (GRCh38, 1-based): chr9:77,339,637, G>A. VCF-style: chr9-77339637-G-A. GRCh37 (hg19) VCF-style: chr9-79954553-G-A.
Other names: c.6383G>A, p.Ser2128Asn (NM_001018037.2); c.6500G>A, p.Ser2167Asn (NM_001018038.3, NM_015186.4); short protein forms S2128N, S2167N.
Identifiers: ClinVar variation 1303654 (VCV001303654.5), dbSNP rs138417091, ClinGen allele CA5093058.
Genomic context (GRCh38, chr9:77,339,637, plus strand): 5'-AGTTGGGTAAAGCCAGGCTACATTTAAAATTACTTGACTATCTCAATCACGATTGGAAAA[G>A]TGAATATCACATAAAGCCTAATCAGCAAGACATTAGTTTTGTCAGTTTTACTTGTGTTAC-3'
Protein context (NP_150648.2, residues 2157-2177): LLDYLNHDWK[Ser2167Asn]EYHIKPNQQD